The following is an entry in ClinVar:

ClinVar aggregate classification (germline): Benign (1 of 4 stars; one submission).

Allele frequency attached by ClinVar (database versions not stated): 1000 Genomes Project 0.10743; 1000 Genomes Project 30x 0.11165; gnomAD 0.08989 and 0.09036; TOPMed 0.09414.
gnomAD v4.1: 13,635 of 151,922 alleles (9%); highest among the groups gnomAD compares: African/African-American, 16%; 771 homozygotes.

Submission:

GeneDx
Classification: Benign. Last evaluated: 2018-06-14. Review status: criteria provided, single submitter. Criteria: GeneDx Variant Classification (06012015). Collection method: clinical testing. Allele origin: germline. Affected: yes.
Comment: This variant is considered likely benign or benign based on one or more of the following criteria: it is a conservative change, it occurs at a poorly conserved position in the protein, it is predicted to be benign by multiple in silico algorithms, and/or has population frequency not consistent with disease.

NM_001098511.3(KIF2A):c.160-214G>A

Gene: KIF2A (kinesin family member 2A; plus strand). Cytogenetic location: 5q12.1.
Variant type: single nucleotide variant.
Coding change: c.160-214G>A on transcript NM_001098511.3 (MANE Select); 214 bases into the intron before coding-DNA position 160, G replaced by A.
Molecular consequence: intron variant.
Genome position (GRCh38, 1-based): chr5:62,347,834, G>A. VCF-style: chr5-62347834-G-A. GRCh37 (hg19) VCF-style: chr5-61643661-G-A.
Other names: c.79-214G>A (NM_001243952.2); c.160-214G>A (NM_004520.5, NM_001243953.2).
Identifiers: ClinVar variation 672374 (VCV000672374.1), dbSNP rs3776613, ClinGen allele CA12155874.
Genomic context (GRCh38, chr5:62,347,834, plus strand): 5'-CCACCACACCTGGCTAATTTTTGTATTTTTTGTAGAGATGGGGTTTCACCATGTTGCCCA[G>A]GCTGGTCTCAGACTCCTGGGCTCAAATGATCCGCCCACCTTGACCTCCCAAAGTGCTAAG-3'